The following is an entry in ClinVar:

ClinVar aggregate classification (germline): Pathogenic/Likely pathogenic. Review status: criteria provided, multiple submitters, no conflicts (2 of 4 stars). 11 submissions from 11 submitters: Pathogenic (6); Likely pathogenic (4). 1 of the submissions does not count toward it. Last evaluated 2026-03-27.

Conditions:
Spermatogenic failure 28. Identifiers: MedGen C4748117, MONDO:0054732, OMIM 618086.
Premature ovarian failure 15. Identifiers: MedGen C4748170, MONDO:0054862, OMIM 618096.
Hereditary cancer-predisposing syndrome. Also called: Hereditary Cancer Syndrome; Tumor predisposition; Neoplastic Syndromes, Hereditary; Hereditary neoplastic syndrome. Identifiers: Orphanet 140162, MedGen C0027672, MeSH D009386, MONDO:0015356.
FANCM-related disorder. Also called: FANCM-related condition.
Fanconi anemia (FA). Also called: Fanconi's anemia. Identifiers: Orphanet 84, MedGen C0015625, MeSH D005199, MONDO:0019391.

Submissions (11):

Dasa
Classification: Pathogenic. Last evaluated: 2026-03-27. Review status: criteria provided, single submitter. Criteria: DASA Assertion Criteria. Collection method: clinical testing. Allele origin: germline.
Comment: NM_020937.4(FANCM):c.2586_2589del (p.Lys863Ilefs*12) is a frameshift variant in FANCM predicted to alter the reading frame and introduce a premature termination codon and is predicted to result in an absent or altered protein product. Loss of function is an established disease mechanism for FANCM-associated disorders. This variant has been reported in individuals with FANCM-related disorders (PMID: 28837157). Functional evidence supports an impact on the gene or gene product (PMID: 28837157). Also, this variant is rare in population databases. Based on the currently available evidence, this variant is classified as pathogenic.

Labcorp Genetics (formerly Invitae), Labcorp
Classification: Pathogenic for Fanconi anemia. Last evaluated: 2026-01-06. Review status: criteria provided, single submitter. Criteria: Invitae Variant Classification Sherloc (09022015). Collection method: clinical testing. Allele origin: germline.
Comment: This sequence change creates a premature translational stop signal (p.Lys863Ilefs*12) in the FANCM gene. It is expected to result in an absent or disrupted protein product. Loss-of-function variants in FANCM are known to be pathogenic (PMID: 29895858, 30075111). The frequency data for this variant in the population databases is considered unreliable, as metrics indicate poor data quality at this position in the gnomAD database. This premature translational stop signal has been observed in individual(s) with precursor B-cell acute lymphoblastic leukemia, melanoma, and pancreatic cancer (PMID: 26483394, 28837157). ClinVar contains an entry for this variant (Variation ID: 545911). For these reasons, this variant has been classified as Pathogenic.

GeneDx
Classification: Likely pathogenic. Last evaluated: 2025-04-22. Review status: criteria provided, single submitter. Criteria: GeneDx Variant Classification Process June 2021. Collection method: clinical testing. Allele origin: germline. Affected: yes.
Comment: Frameshift variant predicted to result in protein truncation or nonsense mediated decay in a gene for which loss of function is a known mechanism of disease; Observed in the heterozygous state in individuals with breast, ovarian, pancreatic, or thyroid cancer, as well as in unaffected controls (PMID: 26483394, 29625052, 32235514, 31991861, 37444426, 32427313, 33099839, 33471991, 39256447); Observed in the homozygous state in an individual with leukemia and chemotherapy toxicity with patient fibroblasts demonstrating chromosomal fragility, hypersensitivity, and impaired FANCD2 monoubiquitination (PMID: 28837157); Not observed at significant frequency in large population cohorts (gnomAD); This variant is associated with the following publications: (PMID: 31991861, 28837157, 26483394, 29895858, 31942822, 31589614, 32235514, 29625052, 32427313, 33099839, 33471991, 36451132, 37444426, 39256447, 39519399)

CeGaT Center for Human Genetics Tuebingen
Classification: Likely pathogenic. Last evaluated: 2024-08-01. Review status: criteria provided, single submitter. Criteria: CeGaT Center For Human Genetics Tuebingen Variant Classification Criteria Version 2. Collection method: clinical testing. Allele origin: germline. Affected: yes. Observed: 4 variant alleles.
Comment: FANCM: PVS1

Blueprint Genetics
Classification: Likely pathogenic for FANCM-related disorders. Last evaluated: 2024-07-08. Review status: criteria provided, single submitter. Criteria: ACMG Guidelines, 2015. Collection method: clinical testing. Allele origin: germline. Affected: yes. Observed: 4 variant alleles.

Fulgent Genetics
Classification: Likely pathogenic for Spermatogenic failure 28; Premature ovarian failure 15. Last evaluated: 2024-04-25. Review status: criteria provided, single submitter. Criteria: ACMG Guidelines, 2015. Collection method: clinical testing. Allele origin: germline.

Quest Diagnostics Nichols Institute San Juan Capistrano
Classification: Pathogenic. Last evaluated: 2023-02-09. Review status: criteria provided, single submitter. Criteria: Quest Diagnostics criteria. Collection method: clinical testing. Allele origin: unknown.
Comment: This frameshift variant alters the translational reading frame of the FANCM mRNA and causes the premature termination of FANCM protein synthesis. The frequency of this variant in the general population, 0.000023 (5/216106 chromosomes), is consistent with pathogenicity. In the published literature, the variant has been reported in individuals with breast cancer (BC) (PMIDs: 33099839 (2021), 31991861 (2020)), ovarian cancer (OC) (PMID: 32235514 (2020)), thyroid cancer (PMID: 29625052 (2018)), acute lymphoblastic leukemia (ALL) (PMID: 28837157 (2018)), and pancreatic cancer (PMID: 26483394 (2015)), as well as in unaffected controls (PMID: 32427313 (2020)). It has been reported in individuals with breast cancer as well as in unaffected controls in a breast cancer association study (PMID: 33471991 (2021), see also LOVD). Based on the available information, this variant is classified as pathogenic.

Mendelics
Classification: Pathogenic for Spermatogenic failure 28. Last evaluated: 2022-05-04. Review status: criteria provided, single submitter. Criteria: Mendelics Assertion Criteria 2019. Collection method: clinical testing. Allele origin: germline.

Sema4
Classification: Pathogenic for Hereditary cancer-predisposing syndrome. Last evaluated: 2021-04-15. Review status: criteria provided, single submitter. Criteria: Sema4 Curation Guidelines. Collection method: curation. Allele origin: germline.
Comment: The FANCM c.2586_2589delAAAA (p.K863Ifs*12) variant has been reported as homozygous in one individual with lymphoblastic leukemia (PMID: 28837157). It has also been reported as heterozygosity in individuals with breast cancer, ovarian cancer, pancreatic cancer, and thyroid cancer (PMID: 33471991, 31991861, 26483394, 29625052, 32235514). This variant causes a frameshift at amino acid 863 that results in premature termination 12 amino acids downstream. At this location, this is predicted to cause nonsense-mediated decay and result in an absent protein (loss of function). Loss-of-function variants in FANCM are known to be pathogenic. This variant was observed in 5/216106 chromosomes from the large and broad populations by the Genome Aggregation Database (PMID: 32461654). This variant has been reported in ClinVar (Variation ID: 545911). Based on the current evidence available, this variant is interpreted as pathogenic.

Revvity Omics, Revvity
Classification: Pathogenic. Last evaluated: 2020-04-04. Review status: criteria provided, single submitter. Criteria: ACMG Guidelines, 2015. Collection method: clinical testing. Allele origin: germline.

PreventionGenetics, part of Exact Sciences
Classification: Pathogenic for FANCM-related condition. Last evaluated: 2024-03-22. Review status: no assertion criteria provided. Collection method: clinical testing. Allele origin: germline. Not counted in ClinVar's aggregate classification.
Comment: The FANCM c.2586_2589delAAAA variant is predicted to result in a frameshift and premature protein termination (p.Lys863Ilefs*12). This variant has been reported in multiple individuals with various cancers including lymphoblastic leukemia, thyroid, breast, ovarian, and melanoma (see for example, Bogliolo et al. 2018. PubMed ID: 28837157; Table S2, Huang et al. 2018. PubMed ID: 29625052; Table 2, Figlioli et al. 2020. PubMed ID: 31991861; Table S2, Del Valle et al. 2020. PubMed ID: 32235514; Table 2, Hu et al. 2015. PubMed ID: 26483394). This variant is reported in 0.0081% of alleles in individuals of Latino descent in gnomAD. Frameshift variants in FANCM are expected to be pathogenic. This variant is interpreted as pathogenic.

Literature cited by the submitters: PubMed 28837157 (cited by 4 submitters); PubMed 31991861 (cited by 3 submitters); PubMed 32235514 (cited by 3 submitters); PubMed 26483394 (cited by 4 submitters); PubMed 29895858 (cited by Labcorp Genetics (formerly Invitae), Labcorp); PubMed 30075111 (cited by Labcorp Genetics (formerly Invitae), Labcorp); PubMed 33471991 (cited by Quest Diagnostics Nichols Institute San Juan Capistrano and Sema4); PubMed 29625052 (cited by Quest Diagnostics Nichols Institute San Juan Capistrano and Sema4); PubMed 31589614 (cited by Quest Diagnostics Nichols Institute San Juan Capistrano); PubMed 33099839 (cited by Quest Diagnostics Nichols Institute San Juan Capistrano); PubMed 32427313 (cited by Quest Diagnostics Nichols Institute San Juan Capistrano).

NM_020937.4(FANCM):c.2586_2589del (p.Lys863fs)

Gene: FANCM (FA complementation group M; plus strand). Cytogenetic location: 14q21.2.
Variant type: Deletion.
Coding change: c.2586_2589del on transcript NM_020937.4 (MANE Select); coding-DNA positions 2586 to 2589, 4 bases deleted (AAAA; older notation c.2586_2589delAAAA).
Protein change: p.Lys863fs; shifts the reading frame from lysine 863.
Molecular consequence: frameshift variant.
Genome position (GRCh38, 1-based): chr14:45,175,340-45,175,343, AAAA deleted; deleting any 4 consecutive bases within chr14:45,175,337-45,175,343 gives the same sequence; the c. name uses the placement nearest the transcript's 3' end. VCF-style (leftmost placement, unchanged base first): chr14-45175336-TAAAA-T. GRCh37 (hg19) VCF-style: chr14-45644539-TAAAA-T.
Other names: c.2586_2589del (NM_020937.2, NM_020937.3, LRG_502t1); c.2586_2589delAAAA (NM_020937.3); c.2508_2511del, p.Lys837fs (NM_001308133.2); short protein forms K837fs, K863fs.
Identifiers: ClinVar variation 545911 (VCV000545911.64), dbSNP rs768006618, ClinGen allele CA7169373.